The following is an entry in ClinVar:

NM_001330260.2(SCN8A):c.3044T>C (p.Val1015Ala)

Gene: SCN8A (sodium voltage-gated channel alpha subunit 8; plus strand). Cytogenetic location: 12q13.13.
Variant type: single nucleotide variant.
Coding change: c.3044T>C on transcript NM_001330260.2 (MANE Select); coding-DNA position 3044, T replaced by C.
Protein change: p.Val1015Ala; replaces valine 1015 with alanine.
Molecular consequence: missense variant.
Genome position (GRCh38, 1-based): chr12:51,769,007, T>C. VCF-style: chr12-51769007-T-C. GRCh37 (hg19) VCF-style: chr12-52162791-T-C.
Other names: c.3044T>C, p.Val1015Ala (NM_001177984.3, NM_001369788.1, NM_014191.4); short protein forms V1015A.
Identifiers: ClinVar variation 1019242 (VCV001019242.43), dbSNP rs1423546979, ClinGen allele CA384892177.

ClinVar aggregate classification (germline): Uncertain significance. Review status: criteria provided, multiple submitters, no conflicts (2 of 4 stars). 2 submissions from 2 submitters: Uncertain significance (2). Last evaluated 2024-09-06.

Conditions:
Early-infantile DEE. Also called: Early infantile epileptic encephalopathy; Early infantile epileptic encephalopathy with suppression bursts; Ohtahara syndrome. Identifiers: Orphanet 1934, MedGen C0393706, MONDO:0800491.

Allele frequency attached by ClinVar (database versions not stated): gnomAD exomes below 0.00001; TOPMed below 0.00001; gnomAD 0.00001.
gnomAD v4.1: 3 of 1,613,822 alleles (0.00019%); highest among the groups gnomAD compares: Non-Finnish European, 0.00025%; no homozygotes.

Submissions (2):

Labcorp Genetics (formerly Invitae), Labcorp
Classification: Uncertain significance for Early-infantile DEE. Last evaluated: 2024-09-06. Review status: criteria provided, single submitter. Criteria: Invitae Variant Classification Sherloc (09022015). Collection method: clinical testing. Allele origin: germline.
Comment: This sequence change replaces valine, which is neutral and non-polar, with alanine, which is neutral and non-polar, at codon 1015 of the SCN8A protein (p.Val1015Ala). This variant is present in population databases (no rsID available, gnomAD 0.007%). This variant has not been reported in the literature in individuals affected with SCN8A-related conditions. ClinVar contains an entry for this variant (Variation ID: 1019242). Invitae Evidence Modeling of protein sequence and biophysical properties (such as structural, functional, and spatial information, amino acid conservation, physicochemical variation, residue mobility, and thermodynamic stability) indicates that this missense variant is not expected to disrupt SCN8A protein function with a negative predictive value of 95%. In summary, the available evidence is currently insufficient to determine the role of this variant in disease. Therefore, it has been classified as a Variant of Uncertain Significance.

CeGaT Center for Human Genetics Tuebingen
Classification: Uncertain significance. Last evaluated: 2021-10-01. Review status: criteria provided, single submitter. Criteria: CeGaT Center For Human Genetics Tuebingen Variant Classification Criteria Version 2. Collection method: clinical testing. Allele origin: germline. Affected: yes. Observed: 1 variant allele.